The following is an entry in ClinVar:

NM_024675.4(PALB2):c.3276C>A (p.Leu1092=)

Gene: PALB2 (partner and localizer of BRCA2; minus strand). Cytogenetic location: 16p12.2.
Variant type: single nucleotide variant.
Coding change: c.3276C>A on transcript NM_024675.4 (MANE Select); coding-DNA position 3276, C replaced by A.
Protein change: p.Leu1092=; no amino-acid change (leucine 1092 retained).
Molecular consequence: synonymous variant. On other transcripts: intron variant (8).
Genome position (GRCh38, 1-based): chr16:23,607,938, G>T on the plus strand (C>A on the coding strand, the complement: PALB2 is on the minus strand). VCF-style: chr16-23607938-G-T. GRCh37 (hg19) VCF-style: chr16-23619259-G-T.
Other names: c.3216C>A, p.Leu1072= (NM_001407296.1); c.3204C>A, p.Leu1068= (NM_001407297.1); c.3114C>A, p.Leu1038= (NM_001407298.1); c.2997C>A, p.Leu999= (NM_001407300.1); c.2391C>A, p.Leu797= (NM_001407304.1, NM_001407305.1, NM_001407306.1); c.2229C>A, p.Leu743= (NM_001407307.1); c.1488C>A, p.Leu496= (NM_001407312.1); c.810C>A, p.Leu270= (NM_001407314.1); and 6 more.
Identifiers: ClinVar variation 3658613 (VCV003658613.3).

ClinVar aggregate classification (germline): Benign/Likely benign. Review status: criteria provided, multiple submitters, no conflicts (2 of 4 stars). 2 submissions from 2 submitters: Benign (1); Likely benign (1). Last evaluated 2025-11-05.

Conditions:
Familial cancer of breast. Also called: Hereditary breast cancer; hereditary breast carcinoma; BREAST CANCER, FAMILIAL. Identifiers: Orphanet 227535, MedGen C0346153, MONDO:0016419, OMIM 114480. Disease mechanism: loss of function.

Submissions (2):

Labcorp Genetics (formerly Invitae), Labcorp
Classification: Likely benign for Familial cancer of breast. Last evaluated: 2025-11-05. Review status: criteria provided, single submitter. Criteria: Invitae Variant Classification Sherloc (09022015). Collection method: clinical testing. Allele origin: germline.

Myriad Genetics, Inc.
Classification: Benign for Familial cancer of breast. Last evaluated: 2025-01-22. Review status: criteria provided, single submitter. Criteria: Myriad Autosomal Dominant, Autosomal Recessive and X-Linked Classification Criteria (2023). Collection method: clinical testing. Allele origin: unknown.
Comment: This variant is considered benign. This variant is a silent/synonymous amino acid change and it is not expected to impact splicing.